The following is an entry in ClinVar:

NM_181882.3(PRX):c.1129G>A (p.Val377Ile)

Gene: PRX (periaxin; minus strand). Cytogenetic location: 19q13.2.
Variant type: single nucleotide variant.
Coding change: c.1129G>A on transcript NM_181882.3 (MANE Select); coding-DNA position 1129, G replaced by A.
Protein change: p.Val377Ile; replaces valine 377 with isoleucine.
Molecular consequence: missense variant. On other transcripts: 3 prime UTR variant (1).
Genome position (GRCh38, 1-based): chr19:40,397,223, C>T on the plus strand (G>A on the coding strand, the complement: PRX is on the minus strand). VCF-style: chr19-40397223-C-T. GRCh37 (hg19) VCF-style: chr19-40903130-C-T.
Other names: c.1414G>A, p.Val472Ile (NM_001411127.1); c.*1334G>A (NM_020956.2); short protein forms V377I, V472I.
Identifiers: ClinVar variation 3902234 (VCV003902234.1).

ClinVar aggregate classification (germline): Uncertain significance (1 of 4 stars; one submission).

Submission:

Women's Health and Genetics/Laboratory Corporation of America, LabCorp
Classification: Uncertain significance. Last evaluated: 2025-05-13. Review status: criteria provided, single submitter. Criteria: LabCorp Variant Classification Summary - May 2015. Collection method: clinical testing. Allele origin: germline.
Comment: Variant summary: PRX c.1129G>A (p.Val377Ile) results in a conservative amino acid change in the encoded protein sequence. Algorithms developed to predict the effect of missense changes on protein structure and function are either unavailable or do not agree on the potential impact of this missense change. The variant was absent in 250384 control chromosomes. The available data on variant occurrences in the general population are insufficient to allow any conclusion about variant significance. To our knowledge, no occurrence of c.1129G>A in individuals affected with Charcot-Marie-Tooth disease type 4F and no experimental evidence demonstrating its impact on protein function have been reported. No submitters have cited clinical-significance assessments for this variant to ClinVar. Based on the evidence outlined above, the variant was classified as uncertain significance.